The following is an entry in ClinVar:

NM_153332.4(ERI1):c.71C>G (p.Pro24Arg)

Gene: ERI1 (exoribonuclease 1). Cytogenetic location: 8p23.1.
Variant type: single nucleotide variant.
Coding change: c.71C>G on transcript NM_153332.4 (MANE Select); coding-DNA position 71, C replaced by G.
Protein change: p.Pro24Arg; replaces proline 24 with arginine.
Molecular consequence: missense variant. On other transcripts: 5 prime UTR variant (2).
Genome position (GRCh38, 1-based): chr8:9,003,134, C>G. VCF-style: chr8-9003134-C-G. GRCh37 (hg19) VCF-style: chr8-8860644-C-G.
Other names: c.-323C>G (NM_001354635.2); c.-613C>G (NM_001354636.2); c.71C>G, p.Pro24Arg (NM_001354638.2); short protein forms P24R.
Identifiers: ClinVar variation 3055311 (VCV003055311.2), dbSNP rs61736769, ClinGen allele CA4619645.

ClinVar aggregate classification (germline): Likely benign (0 of 4 stars; one submission).

Conditions:
ERI1-related disorder. Also called: ERI1-related condition.

Allele frequency attached by ClinVar (database versions not stated): gnomAD 0.00210; TOPMed 0.00244; 1000 Genomes Project 0.00260; 1000 Genomes Project 30x 0.00265; ExAC 0.00628.
gnomAD v4.1: 538 of 1,245,180 alleles (0.043%); highest among the groups gnomAD compares: African/African-American, 0.72%; 2 homozygotes.

Submission:

PreventionGenetics, part of Exact Sciences
Classification: Likely benign for ERI1-related condition. Last evaluated: 2019-05-01. Review status: no assertion criteria provided. Collection method: clinical testing. Allele origin: germline.
Comment: This variant is classified as likely benign based on ACMG/AMP sequence variant interpretation guidelines (Richards et al. 2015 PMID: 25741868, with internal and published modifications).